The following is an entry in ClinVar:

ClinVar aggregate classification (germline): Uncertain significance (1 of 4 stars; one submission).

gnomAD v4.1: 2 of 1,602,086 alleles (0.00012%); highest among the groups gnomAD compares: Non-Finnish European, 0.00017%; no homozygotes.

Submission:

Labcorp Genetics (formerly Invitae), Labcorp
Classification: Uncertain significance. Last evaluated: 2024-07-29. Review status: criteria provided, single submitter. Criteria: Invitae Variant Classification Sherloc (09022015). Collection method: clinical testing. Allele origin: germline.
Comment: This sequence change replaces alanine, which is neutral and non-polar, with glycine, which is neutral and non-polar, at codon 758 of the CACNA2D4 protein (p.Ala758Gly). This variant is not present in population databases (gnomAD no frequency). This variant has not been reported in the literature in individuals affected with CACNA2D4-related conditions. ClinVar contains an entry for this variant (Variation ID: 2040021). An algorithm developed to predict the effect of missense changes on protein structure and function (PolyPhen-2) suggests that this variant is likely to be disruptive. In summary, the available evidence is currently insufficient to determine the role of this variant in disease. Therefore, it has been classified as a Variant of Uncertain Significance.

NM_172364.5(CACNA2D4):c.2273C>G (p.Ala758Gly)

Gene: CACNA2D4 (calcium voltage-gated channel auxiliary subunit alpha2delta 4; minus strand). Cytogenetic location: 12p13.33.
Variant type: single nucleotide variant.
Coding change: c.2273C>G on transcript NM_172364.5 (MANE Select); coding-DNA position 2273, C replaced by G.
Protein change: p.Ala758Gly; replaces alanine 758 with glycine.
Molecular consequence: missense variant.
Genome position (GRCh38, 1-based): chr12:1,846,663, G>C on the plus strand (C>G on the coding strand, the complement: CACNA2D4 is on the minus strand). VCF-style: chr12-1846663-G-C. GRCh37 (hg19) VCF-style: chr12-1955829-G-C.
Other names: short protein forms A758G.
Identifiers: ClinVar variation 2040021 (VCV002040021.4), dbSNP rs1419484658, ClinGen allele CA383359615.